The following is an entry in ClinVar:

NM_001987.5(ETV6):c.1142G>A (p.Gly381Glu)

Genes: ETV6 (ETS variant transcription factor 6; plus strand), LOC126861452 (CDK7 strongly-dependent group 2 enhancer GRCh37_chr12:12037195-12038394; plus strand). Cytogenetic location: 12p13.2.
Variant type: single nucleotide variant.
Coding change: c.1142G>A on transcript NM_001987.5 (MANE Select); coding-DNA position 1142, G replaced by A.
Protein change: p.Gly381Glu; replaces glycine 381 with glutamic acid.
Molecular consequence: missense variant.
Genome position (GRCh38, 1-based): chr12:11,884,577, G>A. VCF-style: chr12-11884577-G-A. GRCh37 (hg19) VCF-style: chr12-12037511-G-A.
Other names: short protein forms G381E.
Identifiers: ClinVar variation 1306766 (VCV001306766.2), dbSNP rs2136596497, ClinGen allele CA384044757.

ClinVar aggregate classification (germline): Uncertain significance (1 of 4 stars; one submission).

Submission:

GeneDx
Classification: Uncertain significance. Last evaluated: 2019-07-02. Review status: criteria provided, single submitter. Criteria: GeneDx Variant Classification Process June 2021. Collection method: clinical testing. Allele origin: germline. Affected: yes.
Comment: Has not been previously published as pathogenic or benign to our knowledge; Not observed in large population cohorts (Lek et al., 2016); In silico analysis, which includes protein predictors and evolutionary conservation, supports a deleterious effect